The following is an entry in ClinVar:

NM_018418.5(SPATA7):c.788A>G (p.Lys263Arg)

Gene: SPATA7 (spermatogenesis associated 7; plus strand). Cytogenetic location: 14q31.3.
Variant type: single nucleotide variant.
Coding change: c.788A>G on transcript NM_018418.5 (MANE Select); coding-DNA position 788, A replaced by G.
Protein change: p.Lys263Arg; replaces lysine 263 with arginine.
Molecular consequence: missense variant.
Genome position (GRCh38, 1-based): chr14:88,426,647, A>G. VCF-style: chr14-88426647-A-G. GRCh37 (hg19) VCF-style: chr14-88892991-A-G.
Other names: c.692A>G, p.Lys231Arg (NM_001040428.4); short protein forms K231R, K263R.
Identifiers: ClinVar variation 1968955 (VCV001968955.5), dbSNP rs1566780163, ClinGen allele CA390564710.

ClinVar aggregate classification (germline): Uncertain significance (1 of 4 stars; one submission).

Conditions:
Leber congenital amaurosis 3 (LCA3). Also called: SPATA7-Related Retinitis Pigmentosa. Identifiers: MedGen C1858677, MONDO:0011415, OMIM 604232.

Submission:

Labcorp Genetics (formerly Invitae), Labcorp
Classification: Uncertain significance for Leber congenital amaurosis 3. Last evaluated: 2023-03-17. Review status: criteria provided, single submitter. Criteria: Invitae Variant Classification Sherloc (09022015). Collection method: clinical testing. Allele origin: germline.
Comment: Advanced modeling of protein sequence and biophysical properties (such as structural, functional, and spatial information, amino acid conservation, physicochemical variation, residue mobility, and thermodynamic stability) performed at Invitae indicates that this missense variant is not expected to disrupt SPATA7 protein function. In summary, the available evidence is currently insufficient to determine the role of this variant in disease. Therefore, it has been classified as a Variant of Uncertain Significance. ClinVar contains an entry for this variant (Variation ID: 1968955). This variant has not been reported in the literature in individuals affected with SPATA7-related conditions. This variant is not present in population databases (gnomAD no frequency). This sequence change replaces lysine, which is basic and polar, with arginine, which is basic and polar, at codon 263 of the SPATA7 protein (p.Lys263Arg).